The following is an entry in ClinVar:

ClinVar aggregate classification (germline): Uncertain significance (1 of 4 stars; one submission).

Conditions:
Hereditary cancer-predisposing syndrome. Also called: Hereditary Cancer Syndrome; Hereditary neoplastic syndrome; Neoplastic Syndromes, Hereditary; Tumor predisposition. Identifiers: Orphanet 140162, MedGen C0027672, MeSH D009386, MONDO:0015356.

Submission:

Ambry Genetics
Classification: Uncertain significance for Hereditary cancer-predisposing syndrome. Last evaluated: 2022-10-30. Review status: criteria provided, single submitter. Criteria: Ambry Variant Classification Scheme 2023. Collection method: clinical testing. Allele origin: germline.
Comment: The p.T510K variant (also known as c.1529C>A), located in coding exon 17 of the RB1 gene, results from a C to A substitution at nucleotide position 1529. The threonine at codon 510 is replaced by lysine, an amino acid with similar properties. This amino acid position is conserved. In addition, the in silico prediction for this alteration is inconclusive. Since supporting evidence is limited at this time, the clinical significance of this alteration remains unclear.

NM_000321.3(RB1):c.1529C>A (p.Thr510Lys)

Gene: RB1 (RB transcriptional corepressor 1; plus strand). Cytogenetic location: 13q14.2.
Variant type: single nucleotide variant.
Coding change: c.1529C>A on transcript NM_000321.3 (MANE Select); coding-DNA position 1529, C replaced by A.
Protein change: p.Thr510Lys; replaces threonine 510 with lysine.
Molecular consequence: missense variant.
Genome position (GRCh38, 1-based): chr13:48,381,277, C>A. VCF-style: chr13-48381277-C-A. GRCh37 (hg19) VCF-style: chr13-48955413-C-A.
Other names: c.1529C>A, p.Thr510Lys (NM_001407165.1, NM_001407166.1); short protein forms T510K.
Identifiers: ClinVar variation 1774571 (VCV001774571.2), dbSNP rs2138144966, ClinGen allele CA388163377.